The following is an entry in ClinVar:

NM_198529.4(EFCAB5):c.2097A>G (p.Glu699=)

Gene: EFCAB5 (EF-hand calcium binding domain 5; plus strand). Cytogenetic location: 17q11.2.
Variant type: single nucleotide variant.
Coding change: c.2097A>G on transcript NM_198529.4 (MANE Select); coding-DNA position 2097, A replaced by G.
Protein change: p.Glu699=; no amino-acid change (glutamic acid 699 retained).
Molecular consequence: synonymous variant. On other transcripts: non-coding transcript variant (1).
Genome position (GRCh38, 1-based): chr17:30,054,051, A>G. VCF-style: chr17-30054051-A-G. GRCh37 (hg19) VCF-style: chr17-28381069-A-G.
Other names: c.1929A>G, p.Glu643= (NM_001145053.2).
Identifiers: ClinVar variation 2647621 (VCV002647621.24), dbSNP rs756574322, ClinGen allele CA8478914.
Genomic context (GRCh38, chr17:30,054,051, plus strand): 5'-AAAAAGTACAAAATATGGGGAACCTATAACCTCTGAGTACATTGAAGTCCCTCTACAGGA[A>G]AAGAGGTCTTGGGAACAAACATATGAAGAGGAAATATTCCTGAGTTCTGAACTGCAAGAG-3'
Protein context (NP_940931.3, residues 689-709): TSEYIEVPLQ[Glu699=]KRSWEQTYEE

ClinVar aggregate classification (germline): Likely benign (1 of 4 stars; one submission).

Allele frequency attached by ClinVar (database versions not stated): gnomAD exomes 0.00006; gnomAD 0.00009; ExAC 0.00010; TOPMed 0.00010.
gnomAD v4.1: 106 of 1,602,178 alleles (0.0066%); highest among the groups gnomAD compares: Admixed American, 0.043%; no homozygotes.

Submission:

CeGaT Center for Human Genetics Tuebingen
Classification: Likely benign. Last evaluated: 2023-03-01. Review status: criteria provided, single submitter. Criteria: CeGaT Center For Human Genetics Tuebingen Variant Classification Criteria Version 2. Collection method: clinical testing. Allele origin: germline. Affected: yes. Observed: 2 variant alleles.
Comment: EFCAB5: BP4, BP7